The following is an entry in ClinVar:

NM_001042432.2(CLN3):c.805C>T (p.Leu269Phe)

Gene: CLN3 (CLN3 lysosomal/endosomal transmembrane protein, battenin; minus strand). Cytogenetic location: 16p12.1.
Variant type: single nucleotide variant.
Coding change: c.805C>T on transcript NM_001042432.2 (MANE Select); coding-DNA position 805, C replaced by T.
Protein change: p.Leu269Phe; replaces leucine 269 with phenylalanine.
Molecular consequence: missense variant.
Genome position (GRCh38, 1-based): chr16:28,482,658, G>A on the plus strand (C>T on the coding strand, the complement: CLN3 is on the minus strand). VCF-style: chr16-28482658-G-A. GRCh37 (hg19) VCF-style: chr16-28493979-G-A.
Other names: c.805C>T, p.Leu269Phe (NM_000086.2); c.733C>T, p.Leu245Phe (NM_001286104.2); c.505C>T, p.Leu169Phe (NM_001286105.2); c.571C>T, p.Leu191Phe (NM_001286109.2); c.643C>T, p.Leu215Phe (NM_001286110.2); short protein forms L215F, L269F, L169F, L245F, L191F.
Identifiers: ClinVar variation 1037923 (VCV001037923.8), dbSNP rs1308474116, ClinGen allele CA395344645.

ClinVar aggregate classification (germline): Uncertain significance (1 of 4 stars; one submission).

Conditions:
Neuronal ceroid lipofuscinosis. Also called: Neuronal Ceroid Lipofuscinoses. Identifiers: Orphanet 216, Orphanet 79263, MedGen C0027877, MONDO:0016295. Disease mechanism: loss of function.

Allele frequency attached by ClinVar (database versions not stated): gnomAD exomes below 0.00001.
gnomAD v4.1: 6 of 1,614,212 alleles (0.00037%); highest among the groups gnomAD compares: South Asian, 0.0011%; no homozygotes.

Submission:

Labcorp Genetics (formerly Invitae), Labcorp
Classification: Uncertain significance for Neuronal ceroid lipofuscinosis. Last evaluated: 2022-07-19. Review status: criteria provided, single submitter. Criteria: Invitae Variant Classification Sherloc (09022015). Collection method: clinical testing. Allele origin: germline.
Comment: This sequence change replaces leucine, which is neutral and non-polar, with phenylalanine, which is neutral and non-polar, at codon 269 of the CLN3 protein (p.Leu269Phe). This variant is present in population databases (no rsID available, gnomAD 0.003%). This variant has not been reported in the literature in individuals affected with CLN3-related conditions. ClinVar contains an entry for this variant (Variation ID: 1037923). Algorithms developed to predict the effect of missense changes on protein structure and function (SIFT, PolyPhen-2, Align-GVGD) all suggest that this variant is likely to be tolerated. In summary, the available evidence is currently insufficient to determine the role of this variant in disease. Therefore, it has been classified as a Variant of Uncertain Significance.